The following is an entry in ClinVar:

NM_015702.3(MMADHC):c.-53+18C>T

Genes: MMADHC (metabolism of cobalamin associated D; minus strand), MMADHC-DT (MMADHC divergent transcript; plus strand), LOC126806368 (MED14-independent group 3 enhancer GRCh37_chr2:150443500-150444699; plus strand). Cytogenetic location: 2q23.2.
Variant type: single nucleotide variant.
Coding change: c.-53+18C>T on transcript NM_015702.3 (MANE Select); 18 bases into the intron after 53 bases upstream of the start codon, C replaced by T.
Molecular consequence: intron variant. On other transcripts: non-coding transcript variant (1).
Genome position (GRCh38, 1-based): chr2:149,587,646, G>A on the plus strand (C>T on the coding strand, the complement: MMADHC is on the minus strand). VCF-style: chr2-149587646-G-A. GRCh37 (hg19) VCF-style: chr2-150444160-G-A.
Identifiers: ClinVar variation 381837 (VCV000381837.1), dbSNP rs556561072, ClinGen allele CA16603841.

ClinVar aggregate classification (germline): Likely benign (1 of 4 stars; one submission).

Allele frequency attached by ClinVar (database versions not stated): gnomAD exomes 0.00022; 1000 Genomes Project 30x 0.00031; gnomAD 0.00082 and 0.00086; TOPMed 0.00096.
gnomAD v4.1: 125 of 161,636 alleles (0.077%); highest among the groups gnomAD compares: Non-Finnish European, 0.12%; no homozygotes.

Submission:

GeneDx
Classification: Likely benign. Last evaluated: 2017-09-28. Review status: criteria provided, single submitter. Criteria: GeneDx Variant Classification (06012015). Collection method: clinical testing. Allele origin: germline. Affected: yes.
Comment: This variant is considered likely benign or benign based on one or more of the following criteria: it is a conservative change, it occurs at a poorly conserved position in the protein, it is predicted to be benign by multiple in silico algorithms, and/or has population frequency not consistent with disease.